The following is an entry in ClinVar:

ClinVar aggregate classification (germline): Uncertain significance (1 of 4 stars; one submission).

Conditions:
Glycogen storage disease, type VI (GSD6). Also called: Glycogen storage disease type 6; Hepatic glycogen phosphorylase deficiency; Glycogen storage disease type 6, due to phosphorylation; GSD VI; HERS DISEASE; PHOSPHORYLASE DEFICIENCY GLYCOGEN-STORAGE DISEASE OF LIVER. Identifiers: Orphanet 369, MedGen C0017925, MONDO:0009294, OMIM 232700.

Allele frequency attached by ClinVar (database versions not stated): gnomAD exomes below 0.00001; ExAC 0.00001; gnomAD 0.00001; 1000 Genomes Project 30x 0.00016; 1000 Genomes Project 0.00020.
gnomAD v4.1: 5 of 1,614,192 alleles (0.00031%); highest among the groups gnomAD compares: African/African-American, 0.0067%; no homozygotes.

Submission:

Labcorp Genetics (formerly Invitae), Labcorp
Classification: Uncertain significance for Glycogen storage disease, type VI. Last evaluated: 2022-12-20. Review status: criteria provided, single submitter. Criteria: Invitae Variant Classification Sherloc (09022015). Collection method: clinical testing. Allele origin: germline.
Comment: In summary, the available evidence is currently insufficient to determine the role of this variant in disease. Therefore, it has been classified as a Variant of Uncertain Significance. Advanced modeling of protein sequence and biophysical properties (such as structural, functional, and spatial information, amino acid conservation, physicochemical variation, residue mobility, and thermodynamic stability) performed at Invitae indicates that this missense variant is not expected to disrupt PYGL protein function. This variant has not been reported in the literature in individuals affected with PYGL-related conditions. This variant is present in population databases (rs556404496, gnomAD 0.007%). This sequence change replaces lysine, which is basic and polar, with threonine, which is neutral and polar, at codon 642 of the PYGL protein (p.Lys642Thr).

NM_002863.5(PYGL):c.1925A>C (p.Lys642Thr)

Gene: PYGL (glycogen phosphorylase L; minus strand). Cytogenetic location: 14q22.1.
Variant type: single nucleotide variant.
Coding change: c.1925A>C on transcript NM_002863.5 (MANE Select); coding-DNA position 1925, A replaced by C.
Protein change: p.Lys642Thr; replaces lysine 642 with threonine.
Molecular consequence: missense variant.
Genome position (GRCh38, 1-based): chr14:50,911,774, T>G on the plus strand (A>C on the coding strand, the complement: PYGL is on the minus strand). VCF-style: chr14-50911774-T-G. GRCh37 (hg19) VCF-style: chr14-51378492-T-G.
Other names: c.1823A>C, p.Lys608Thr (NM_001163940.2); short protein forms K608T, K642T.
Identifiers: ClinVar variation 2910567 (VCV002910567.3), dbSNP rs556404496, ClinGen allele CA7183289.